The following is an entry in ClinVar:

ClinVar aggregate classification (germline): Uncertain significance. Review status: criteria provided, multiple submitters, no conflicts (2 of 4 stars). 2 submissions from 2 submitters: Uncertain significance (2). Last evaluated 2025-12-15.

Conditions:
Inborn genetic diseases. Identifiers: MedGen C0950123, MeSH D030342.

gnomAD v4.1: 3 of 1,613,890 alleles (0.00019%); highest among the groups gnomAD compares: East Asian, 0.0067%; no homozygotes.

Submissions (2):

Labcorp Genetics (formerly Invitae), Labcorp
Classification: Uncertain significance. Last evaluated: 2025-12-15. Review status: criteria provided, single submitter. Criteria: Invitae Variant Classification Sherloc (09022015). Collection method: clinical testing. Allele origin: germline.
Comment: This sequence change replaces proline, which is neutral and non-polar, with serine, which is neutral and polar, at codon 2388 of the FAT1 protein (p.Pro2388Ser). This variant is present in population databases (rs781585963, gnomAD 0.01%). This variant has not been reported in the literature in individuals affected with FAT1-related conditions. ClinVar contains an entry for this variant (Variation ID: 3513225). Invitae Evidence Modeling of protein sequence and biophysical properties (such as structural, functional, and spatial information, amino acid conservation, physicochemical variation, residue mobility, and thermodynamic stability) has been performed for this missense variant. However, the output from this modeling did not meet the statistical confidence thresholds required to predict the impact of this variant on FAT1 protein function. In summary, the available evidence is currently insufficient to determine the role of this variant in disease. Therefore, it has been classified as a Variant of Uncertain Significance.

Ambry Genetics
Classification: Uncertain significance for Inborn genetic diseases. Last evaluated: 2024-12-03. Review status: criteria provided, single submitter. Criteria: Ambry Variant Classification Scheme 2023. Collection method: clinical testing. Allele origin: germline.

NM_005245.4(FAT1):c.7162C>T (p.Pro2388Ser)

Gene: FAT1 (FAT atypical cadherin 1; minus strand). Cytogenetic location: 4q35.2.
Variant type: single nucleotide variant.
Coding change: c.7162C>T on transcript NM_005245.4 (MANE Select); coding-DNA position 7162, C replaced by T.
Protein change: p.Pro2388Ser; replaces proline 2388 with serine.
Molecular consequence: missense variant.
Genome position (GRCh38, 1-based): chr4:186,619,424, G>A on the plus strand (C>T on the coding strand, the complement: FAT1 is on the minus strand). VCF-style: chr4-186619424-G-A. GRCh37 (hg19) VCF-style: chr4-187540578-G-A.
Other names: short protein forms P2388S.
Identifiers: ClinVar variation 3513225 (VCV003513225.2).